The following is an entry in ClinVar:

ClinVar aggregate classification (germline): Conflicting classifications of pathogenicity. Review status: criteria provided, conflicting classifications (1 of 4 stars). 4 submissions from 4 submitters: Pathogenic (1); Uncertain significance (2). 1 of the submissions does not count toward it. Last evaluated 2025-03-28.

Conditions:
Hereditary cancer-predisposing syndrome. Also called: Tumor predisposition; Hereditary neoplastic syndrome; Neoplastic Syndromes, Hereditary; Hereditary Cancer Syndrome. Identifiers: Orphanet 140162, MedGen C0027672, MeSH D009386, MONDO:0015356.
Colorectal cancer, susceptibility to, 12 (CRCS12). Also called: COLORECTAL CANCER, SUSCEPTIBILITY TO, ON CHROMOSOME 12q24. Identifiers: Orphanet 220460, MedGen C3554460, MONDO:0014038, OMIM 615083.

Submissions (4):

Ambry Genetics
Classification: Uncertain significance for Hereditary cancer-predisposing syndrome. Last evaluated: 2025-03-28. Review status: criteria provided, single submitter. Criteria: Ambry Variant Classification Scheme 2023. Collection method: clinical testing. Allele origin: germline.
Comment: The c.1284delC variant, located in coding exon 13 of the POLE gene, results from a deletion of one nucleotide at nucleotide position 1284, causing a translational frameshift with a predicted alternate stop codon (p.K429Rfs*4). This alteration is expected to result in loss of function by premature protein truncation or nonsense-mediated mRNA decay. Although biallelic loss of function of POLE has been associated with autosomal recessive POLE deficiency, haploinsufficiency of POLE has not been established as a mechanism of disease for POLE-related polymerase proofreading-associated polyposis (PPAP) and POLE-related CMMRD-like syndrome. Based on the supporting evidence, this variant is expected to be causative of POLE deficiency when present along with a second pathogenic variant on the other allele; however, its clinical significance for PPAP and POLE-related CMMRD-like syndrome is unclear.

Labcorp Genetics (formerly Invitae), Labcorp
Classification: Pathogenic. Last evaluated: 2024-07-18. Review status: criteria provided, single submitter. Criteria: Invitae Variant Classification Sherloc (09022015). Collection method: clinical testing. Allele origin: germline.
Comment: This sequence change creates a premature translational stop signal (p.Lys429Argfs*4) in the POLE gene. It is expected to result in an absent or disrupted protein product. Loss-of-function variants in POLE are known to be pathogenic (PMID: 23230001, 25948378, 30503519). This variant is not present in population databases (gnomAD no frequency). This variant has not been reported in the literature in individuals affected with POLE-related conditions. ClinVar contains an entry for this variant (Variation ID: 372007). For these reasons, this variant has been classified as Pathogenic.

Quest Diagnostics Nichols Institute San Juan Capistrano
Classification: Uncertain significance. Last evaluated: 2024-04-30. Review status: criteria provided, single submitter. Criteria: Quest Diagnostics criteria. Collection method: clinical testing. Allele origin: unknown.
Comment: The POLE c.1284del (p.Lys429Argfs*4) variant alters the translational reading frame of the POLE mRNA and is predicted to cause the premature termination of POLE protein synthesis. However, due to limited published evidence, the association of loss-of-function variants in POLE with the cancer predisposition syndrome PPAP (polymerase proofreading-association polyposis) has not been established (PMID: 23447401 (2013)). This variant has not been reported in individuals with POLE-related conditions in the published literature. This variant has not been reported in large, multi-ethnic general populations (Genome Aggregation Database). Based on the available information, we are unable to determine the clinical significance of this variant.

Counsyl
Classification: Uncertain significance for Colorectal cancer, susceptibility to, 12. Last evaluated: 2016-10-13. Review status: no assertion criteria provided. Collection method: clinical testing. Allele origin: unknown. Not counted in ClinVar's aggregate classification.

Literature cited by the submitters: PubMed 23230001 (cited by Labcorp Genetics (formerly Invitae), Labcorp); PubMed 25948378 (cited by Labcorp Genetics (formerly Invitae), Labcorp); PubMed 30503519 (cited by Labcorp Genetics (formerly Invitae), Labcorp).

NM_006231.4(POLE):c.1284del (p.Lys429fs)

Gene: POLE (DNA polymerase epsilon, catalytic subunit; minus strand). Cytogenetic location: 12q24.33.
Variant type: Deletion.
Coding change: c.1284del on transcript NM_006231.4 (MANE Select); coding-DNA position 1284, one base deleted (C; older notation c.1284delC).
Protein change: p.Lys429fs; shifts the reading frame from lysine 429.
Molecular consequence: frameshift variant.
Genome position (GRCh38, 1-based): chr12:132,673,650, G deleted on the plus strand (C on the coding strand, the reverse complement: POLE is on the minus strand); the first of 2 consecutive G bases (chr12:132,673,650-132,673,651); deleting either gives the same sequence. VCF-style (leftmost placement, unchanged base first): chr12-132673649-TG-T. GRCh37 (hg19) VCF-style: chr12-133250235-TG-T.
Other names: c.1284delC (NM_006231.3); c.1284del (NM_006231.3); short protein forms K429fs.
Identifiers: ClinVar variation 372007 (VCV000372007.14), dbSNP rs1057517613, ClinGen allele CA16042133.